The following is an entry in ClinVar:

ClinVar aggregate classification (germline): Uncertain significance (1 of 4 stars; one submission).

Conditions:
Cardiovascular phenotype. Identifiers: MedGen CN230736.

gnomAD v4.1: 4 of 1,613,938 alleles (0.00025%); highest among the groups gnomAD compares: South Asian, 0.0044%; 1 homozygote.

Submission:

Ambry Genetics
Classification: Uncertain significance for Cardiovascular phenotype. Last evaluated: 2026-07-19. Review status: criteria provided, single submitter. Criteria: Ambry Variant Classification Scheme 2023. Collection method: clinical testing. Allele origin: germline.
Comment: The p.N546S variant (also known as c.1637A>G), located in coding exon 11 of the DSC2 gene, results from an A to G substitution at nucleotide position 1637. The asparagine at codon 546 is replaced by serine, an amino acid with highly similar properties. This amino acid position is conserved. In addition, this alteration is predicted to be tolerated by in silico analysis. Based on the available evidence, the clinical significance of this variant remains unclear.

NM_024422.6(DSC2):c.1637A>G (p.Asn546Ser)

Gene: DSC2 (desmocollin 2; minus strand). Cytogenetic location: 18q12.1.
Variant type: single nucleotide variant.
Coding change: c.1637A>G on transcript NM_024422.6 (MANE Select); coding-DNA position 1637, A replaced by G.
Protein change: p.Asn546Ser; replaces asparagine 546 with serine.
Molecular consequence: missense variant.
Genome position (GRCh38, 1-based): chr18:31,079,873, T>C on the plus strand (A>G on the coding strand, the complement: DSC2 is on the minus strand). VCF-style: chr18-31079873-T-C. GRCh37 (hg19) VCF-style: chr18-28659839-T-C.
Other names: c.1208A>G, p.Asn403Ser (NM_001406506.1, NM_001406507.1); c.1637A>G, p.Asn546Ser (NM_004949.5); short protein forms N403S, N546S.
Identifiers: ClinVar variation 5035593 (VCV005035593.1).
Genomic context (GRCh38, chr18:31,079,873, plus strand): 5'-GAAGTATGTAGCTGGCTTAAAGACAAATTCTTACCTTGGTCTGATGCAAGGACTGTAATA[T>C]TATATATGCCATTTTTGATGGTCTCTGCCTCTCTATCCAGGCTTCTGAAAACTTTGATTG-3'
Protein context (NP_077740.1, residues 536-556): EAETIKNGIY[Asn546Ser]ITVLASDQGG